The following is an entry in ClinVar:

ClinVar aggregate classification (germline): Uncertain significance. Review status: criteria provided, multiple submitters, no conflicts (2 of 4 stars). 2 submissions from 2 submitters: Uncertain significance (2). Last evaluated 2022-03-21.

Conditions:
Pigmentary pallidal degeneration (NBIA1). Also called: Pantothenate Kinase-Associated Neurodegeneration; Neuroaxonal dystrophy, late infantile; Hallervorden-Spatz disease; HARP SYNDROME; Neurodegeneration with brain iron accumulation 1; PKAN NEUROAXONAL DYSTROPHY, JUVENILE-ONSET. Identifiers: Orphanet 157850, MedGen C0018523, MONDO:0009319, OMIM 234200.

Submissions (2):

Labcorp Genetics (formerly Invitae), Labcorp
Classification: Uncertain significance for Pigmentary pallidal degeneration. Last evaluated: 2022-03-21. Review status: criteria provided, single submitter. Criteria: Invitae Variant Classification Sherloc (09022015). Collection method: clinical testing. Allele origin: germline.
Comment: This sequence change replaces methionine, which is neutral and non-polar, with valine, which is neutral and non-polar, at codon 124 of the PANK2 protein (p.Met124Val). This variant is not present in population databases (gnomAD no frequency). This variant has not been reported in the literature in individuals affected with PANK2-related conditions. Algorithms developed to predict the effect of missense changes on protein structure and function are either unavailable or do not agree on the potential impact of this missense change (SIFT: "Deleterious"; PolyPhen-2: "Benign"; Align-GVGD: "Class C0"). In summary, the available evidence is currently insufficient to determine the role of this variant in disease. Therefore, it has been classified as a Variant of Uncertain Significance.

Laboratorio de Genetica e Diagnostico Molecular, Hospital Israelita Albert Einstein
Classification: Uncertain significance. Last evaluated: 2021-04-26. Review status: criteria provided, single submitter. Criteria: ACMG Guidelines, 2015. Collection method: clinical testing. Allele origin: germline. Affected: yes.
Comment: ACMG classification criteria: PM2

NM_001386393.1(PANK2):c.40A>G (p.Met14Val)

Genes: PANK2 (pantothenate kinase 2; plus strand), LOC130065345 (ATAC-STARR-seq lymphoblastoid silent region 12635; plus strand). Cytogenetic location: 20p13.
Variant type: single nucleotide variant.
Coding change: c.40A>G on transcript NM_001386393.1 (MANE Select); coding-DNA position 40, A replaced by G.
Protein change: p.Met14Val; replaces methionine 14 with valine.
Molecular consequence: missense variant. On other transcripts: 5 prime UTR variant (1), non-coding transcript variant (1), intron variant (1).
Genome position (GRCh38, 1-based): chr20:3,889,470, A>G. VCF-style: chr20-3889470-A-G. GRCh37 (hg19) VCF-style: chr20-3870117-A-G.
Other names: c.-672A>G (NM_001324191.2); c.370A>G, p.Met124Val (NM_001324192.1, NM_153638.4); c.-246+566A>G (NM_024960.6); short protein forms M124V, M14V.
Identifiers: ClinVar variation 1690576 (VCV001690576.4), dbSNP rs1368727421, ClinGen allele CA408140776.